The following is an entry in ClinVar:

NM_002755.4(MAP2K1):c.305A>G (p.Glu102Gly)

Gene: MAP2K1 (mitogen-activated protein kinase kinase 1; plus strand). Cytogenetic location: 15q22.31.
Variant type: single nucleotide variant.
Coding change: c.305A>G on transcript NM_002755.4 (MANE Select); coding-DNA position 305, A replaced by G.
Protein change: p.Glu102Gly; replaces glutamic acid 102 with glycine.
Molecular consequence: missense variant.
Genome position (GRCh38, 1-based): chr15:66,436,759, A>G. VCF-style: chr15-66436759-A-G. GRCh37 (hg19) VCF-style: chr15-66729097-A-G.
Identifiers: ClinVar variation 190378 (VCV000190378.8), dbSNP rs797044593, ClinGen allele CA347244.

ClinVar aggregate classification (germline): Pathogenic. Review status: criteria provided, single submitter (1 of 4 stars). 2 submissions from 2 submitters: Pathogenic (1). 1 of the submissions does not count toward it. Last evaluated 2024-11-05.

Conditions:
Cardiofaciocutaneous syndrome 3 (CFC3). Also called: MAP2K1-Related Cardiofaciocutaneous Syndrome. Identifiers: Orphanet 1340, MedGen C3809006, MONDO:0014113, OMIM 615279.
RASopathy. Also called: rasopathies; Noonan spectrum disorder. Identifiers: Orphanet 536391, MedGen C5555857, MONDO:0021060.

Submissions (2):

Labcorp Genetics (formerly Invitae), Labcorp
Classification: Pathogenic for RASopathy. Last evaluated: 2024-11-05. Review status: criteria provided, single submitter. Criteria: Invitae Variant Classification Sherloc (09022015). Collection method: clinical testing. Allele origin: germline.
Comment: This sequence change replaces glutamic acid, which is acidic and polar, with glycine, which is neutral and non-polar, at codon 102 of the MAP2K1 protein (p.Glu102Gly). This variant is not present in population databases (gnomAD no frequency). This missense change has been observed in individual(s) with Noonan syndrome (PMID: 25423878). In at least one individual the variant was observed to be de novo. ClinVar contains an entry for this variant (Variation ID: 190378). Invitae Evidence Modeling of protein sequence and biophysical properties (such as structural, functional, and spatial information, amino acid conservation, physicochemical variation, residue mobility, and thermodynamic stability) indicates that this missense variant is expected to disrupt MAP2K1 protein function with a positive predictive value of 95%. For these reasons, this variant has been classified as Pathogenic.

GeneReviews
No classification provided. Condition: Cardiofaciocutaneous syndrome 3. Review status: no classification provided. Collection method: literature only. Allele origin: germline. Affected: yes. Not counted in ClinVar's aggregate classification.

Literature cited by the submitters: PubMed 25423878 (cited by Labcorp Genetics (formerly Invitae), Labcorp and GeneReviews).